The following is an entry in ClinVar:

NM_000153.4(GALC):c.1012del (p.Glu338fs)

Gene: GALC (galactosylceramidase; minus strand). Cytogenetic location: 14q31.3.
Variant type: Deletion.
Coding change: c.1012del on transcript NM_000153.4 (MANE Select); coding-DNA position 1012, one base deleted (G; older notation c.1012delG).
Protein change: p.Glu338fs; shifts the reading frame from glutamic acid 338.
Molecular consequence: frameshift variant.
Genome position (GRCh38, 1-based): chr14:87,965,526, C deleted on the plus strand (G on the coding strand, the reverse complement: GALC is on the minus strand). VCF-style (leftmost placement, unchanged base first): chr14-87965525-TC-T. GRCh37 (hg19) VCF-style: chr14-88431869-TC-T.
Other names: c.943del, p.Glu315fs (NM_001201401.2); c.934del, p.Glu312fs (NM_001201402.2); c.1012del (NM_000153.3); short protein forms E312fs, E315fs, E338fs.
Identifiers: ClinVar variation 370416 (VCV000370416.15), dbSNP rs1057516469, ClinGen allele CA16041698.
Genomic context (GRCh38, chr14:87,965,525, plus strand): 5'-GAGAAGAATTTAGGGAGTGAGAGATGGAACTGAACCATACCTGATACCCAGACAGGAGAT[TC>T]TACCACGTAGTGCCCACTCCATGGCTCCTGGGCCGTCATCAACCCGCATCTCCCATAAGG-3'

ClinVar aggregate classification (germline): Pathogenic/Likely pathogenic. Review status: criteria provided, multiple submitters, no conflicts (2 of 4 stars). 4 submissions from 4 submitters: Pathogenic (2); Likely pathogenic (1). 1 of the submissions does not count toward it. Last evaluated 2026-03-25.

Conditions:
Galactosylceramide beta-galactosidase deficiency. Also called: Leukodystrophy, Globoid Cell; GALACTOCEREBROSIDASE DEFICIENCY; GALC DEFICIENCY; GLOBOID CELL LEUKOENCEPHALOPATHY; Krabbe Disease. Identifiers: Orphanet 487, MedGen C0023521, MONDO:0009499, OMIM 245200.

Allele frequency attached by ClinVar (database versions not stated): gnomAD exomes below 0.00001; TOPMed below 0.00001.

Submissions (4):

GeneDx
Classification: Likely pathogenic. Last evaluated: 2026-03-25. Review status: criteria provided, single submitter. Criteria: GeneDx Variant Classification Process June 2021. Collection method: clinical testing. Allele origin: germline.
Comment: Reported along with a second variant in the GALC gene in a patient with Krabbe disease; however, segregation, clinical information, and biochemical results were not provided (PMID: 9338580); Frameshift variant predicted to result in protein truncation or nonsense mediated decay in a gene for which loss of function is a known mechanism of disease; Not observed at significant frequency in large population cohorts (gnomAD); This variant is associated with the following publications: (PMID: 9338580)

Fulgent Genetics
Classification: Pathogenic for Galactosylceramide beta-galactosidase deficiency. Last evaluated: 2024-05-19. Review status: criteria provided, single submitter. Criteria: ACMG Guidelines, 2015. Collection method: clinical testing. Allele origin: germline.

Labcorp Genetics (formerly Invitae), Labcorp
Classification: Pathogenic for Galactosylceramide beta-galactosidase deficiency. Last evaluated: 2023-12-09. Review status: criteria provided, single submitter. Criteria: Invitae Variant Classification Sherloc (09022015). Collection method: clinical testing. Allele origin: germline.
Comment: This sequence change creates a premature translational stop signal (p.Glu338Asnfs*21) in the GALC gene. It is expected to result in an absent or disrupted protein product. Loss-of-function variants in GALC are known to be pathogenic (PMID: 7437911, 9272171, 16607461). This variant is present in population databases (no rsID available, gnomAD 0.0009%). This premature translational stop signal has been observed in individual(s) with Krabbe disease (PMID: 9338580). This variant is also known as 964delG. ClinVar contains an entry for this variant (Variation ID: 370416). For these reasons, this variant has been classified as Pathogenic.

Counsyl
Classification: Likely pathogenic for Galactosylceramide beta-galactosidase deficiency. Last evaluated: 2016-02-04. Review status: no assertion criteria provided. Collection method: clinical testing. Allele origin: unknown. Not counted in ClinVar's aggregate classification.

Literature cited by the submitters: PubMed 7437911 (cited by Labcorp Genetics (formerly Invitae), Labcorp); PubMed 9272171 (cited by Labcorp Genetics (formerly Invitae), Labcorp); PubMed 16607461 (cited by Labcorp Genetics (formerly Invitae), Labcorp); PubMed 9338580 (cited by Labcorp Genetics (formerly Invitae), Labcorp and Counsyl).